The following is an entry in ClinVar:

NM_004560.4(ROR2):c.722C>T (p.Ala241Val)

Gene: ROR2 (receptor tyrosine kinase like orphan receptor 2; minus strand). Cytogenetic location: 9q22.31.
Variant type: single nucleotide variant.
Coding change: c.722C>T on transcript NM_004560.4 (MANE Select); coding-DNA position 722, C replaced by T.
Protein change: p.Ala241Val; replaces alanine 241 with valine.
Molecular consequence: missense variant.
Genome position (GRCh38, 1-based): chr9:91,733,337, G>A on the plus strand (C>T on the coding strand, the complement: ROR2 is on the minus strand). VCF-style: chr9-91733337-G-A. GRCh37 (hg19) VCF-style: chr9-94495619-G-A.
Other names: c.722C>T, p.Ala241Val (NM_001318204.2); c.722C>T (NM_004560.3); short protein forms A241V.
Identifiers: ClinVar variation 2060888 (VCV002060888.5), dbSNP rs771096772, ClinGen allele CA5120913.
Genomic context (GRCh38, chr9:91,733,337, plus strand): 5'-CTCTCCAGCACCTCGCACTCGTCGCGGCACAGCTCACGCGGCTTGGGTGTCCGGGAGCGC[G>A]CGTCGCACAGAGGAAACACGAAGTGGCAGAAGGATGGGATGGCGAACTGTGAGCACTGGT-3'
Protein context (NP_004551.2, residues 231-251): FCHFVFPLCD[Ala241Val]RSRTPKPREL

ClinVar aggregate classification (germline): Uncertain significance. Review status: criteria provided, multiple submitters, no conflicts (2 of 4 stars). 2 submissions from 2 submitters: Uncertain significance (2). Last evaluated 2025-12-22.

Conditions:
Inborn genetic diseases. Identifiers: MedGen C0950123, MeSH D030342.

gnomAD v4.1: 47 of 1,612,236 alleles (0.0029%); highest among the groups gnomAD compares: Admixed American, 0.017%; no homozygotes.

Submissions (2):

Labcorp Genetics (formerly Invitae), Labcorp
Classification: Uncertain significance. Last evaluated: 2025-12-22. Review status: criteria provided, single submitter. Criteria: Invitae Variant Classification Sherloc (09022015). Collection method: clinical testing. Allele origin: germline.
Comment: This sequence change replaces alanine, which is neutral and non-polar, with valine, which is neutral and non-polar, at codon 241 of the ROR2 protein (p.Ala241Val). This variant is present in population databases (rs771096772, gnomAD 0.01%). This variant has not been reported in the literature in individuals affected with ROR2-related conditions. ClinVar contains an entry for this variant (Variation ID: 2060888). Invitae Evidence Modeling of protein sequence and biophysical properties (such as structural, functional, and spatial information, amino acid conservation, physicochemical variation, residue mobility, and thermodynamic stability) indicates that this missense variant is not expected to disrupt ROR2 protein function with a negative predictive value of 80%. In summary, the available evidence is currently insufficient to determine the role of this variant in disease. Therefore, it has been classified as a Variant of Uncertain Significance.

Ambry Genetics
Classification: Uncertain significance for Inborn genetic diseases. Last evaluated: 2024-09-26. Review status: criteria provided, single submitter. Criteria: Ambry Variant Classification Scheme 2023. Collection method: clinical testing. Allele origin: germline.